The following is an entry in ClinVar:

NM_001165963.4(SCN1A):c.328A>G (p.Ile110Val)

Gene: SCN1A (sodium voltage-gated channel alpha subunit 1; minus strand). Cytogenetic location: 2q24.3.
Variant type: single nucleotide variant.
Coding change: c.328A>G on transcript NM_001165963.4 (MANE Select); coding-DNA position 328, A replaced by G.
Protein change: p.Ile110Val; replaces isoleucine 110 with valine.
Molecular consequence: missense variant. On other transcripts: 5 prime UTR variant (1), non-coding transcript variant (1).
Genome position (GRCh38, 1-based): chr2:166,058,625, T>C on the plus strand (A>G on the coding strand, the complement: SCN1A is on the minus strand). VCF-style: chr2-166058625-T-C. GRCh37 (hg19) VCF-style: chr2-166915135-T-C.
Other names: c.328A>G, p.Ile110Val (NM_001165964.3, NM_001202435.3, NM_001353948.2 and 10 more transcripts); c.-2098A>G (NM_001353961.2); short protein forms I110V.
Identifiers: ClinVar variation 4085533 (VCV004085533.8).

ClinVar aggregate classification (germline): Uncertain significance (1 of 4 stars; one submission).

Submission:

CeGaT Center for Human Genetics Tuebingen
Classification: Uncertain significance. Last evaluated: 2025-07-01. Review status: criteria provided, single submitter. Criteria: CeGaT Center For Human Genetics Tuebingen Variant Classification Criteria Version 2. Collection method: clinical testing. Allele origin: germline. Affected: yes. Observed: 1 variant allele.
Comment: SCN1A: PM2, PP2